The following is an entry in ClinVar:

NM_000744.7(CHRNA4):c.384-3C>G

Gene: CHRNA4 (cholinergic receptor nicotinic alpha 4 subunit; minus strand). Cytogenetic location: 20q13.33.
Variant type: single nucleotide variant.
Coding change: c.384-3C>G on transcript NM_000744.7 (MANE Select); 3 bases into the intron before coding-DNA position 384, C replaced by G.
Molecular consequence: intron variant.
Genome position (GRCh38, 1-based): chr20:63,351,030, G>C on the plus strand (C>G on the coding strand, the complement: CHRNA4 is on the minus strand). VCF-style: chr20-63351030-G-C. GRCh37 (hg19) VCF-style: chr20-61982382-G-C.
Other names: c.-145-3C>G (NM_001256573.2).
Identifiers: ClinVar variation 1427347 (VCV001427347.7), dbSNP rs894265779, ClinGen allele CA317436531.
Genomic context (GRCh38, chr20:63,351,030, plus strand): 5'-CCCGTCATGGAACAGGTGGGCCTTGGTCAGGTGGGTGACCGCGAAGTCCCCGTCAGCACT[G>C]GGCAGGAAGAGAGCGAAGGGTGTGAGACCCCCACATCCATGCCCACGTCCACACCCACGC-3'

ClinVar aggregate classification (germline): Uncertain significance. Review status: criteria provided, multiple submitters, no conflicts (2 of 4 stars). 2 submissions from 2 submitters: Uncertain significance (2). Last evaluated 2026-03-27.

Conditions:
Familial sleep-related hypermotor epilepsy. Also called: Autosomal Dominant Sleep-Related Hypermotor (Hyperkinetic) Epilepsy. Identifiers: Orphanet 98784, MedGen C3696898, MONDO:0000030.

Allele frequency attached by ClinVar (database versions not stated): gnomAD exomes below 0.00001.
gnomAD v4.1: 21 of 1,611,294 alleles (0.0013%); highest among the groups gnomAD compares: African/African-American, 0.0027%; no homozygotes.

Submissions (2):

GeneDx
Classification: Uncertain significance. Last evaluated: 2026-03-27. Review status: criteria provided, single submitter. Criteria: GeneDx Variant Classification Process June 2021. Collection method: clinical testing. Allele origin: germline.
Comment: In silico analysis supports a deleterious effect on splicing; Has not been previously published as pathogenic or benign to our knowledge

Labcorp Genetics (formerly Invitae), Labcorp
Classification: Uncertain significance. Last evaluated: 2025-12-21. Review status: criteria provided, single submitter. Criteria: Invitae Variant Classification Sherloc (09022015). Collection method: clinical testing. Allele origin: germline.
Comment: This sequence change falls in intron 4 of the CHRNA4 gene. It does not directly change the encoded amino acid sequence of the CHRNA4 protein. It affects a nucleotide within the consensus splice site. This variant is present in population databases (no rsID available, gnomAD 0.004%). This variant has not been reported in the literature in individuals affected with CHRNA4-related conditions. ClinVar contains an entry for this variant (Variation ID: 1427347). Variants that disrupt the consensus splice site are a relatively common cause of aberrant splicing (PMID: 17576681, 9536098). Algorithms developed to predict the effect of sequence changes on RNA splicing suggest that this variant may disrupt the consensus splice site. In summary, the available evidence is currently insufficient to determine the role of this variant in disease. Therefore, it has been classified as a Variant of Uncertain Significance.

Literature cited by the submitters: PubMed 17576681 (cited by Labcorp Genetics (formerly Invitae), Labcorp); PubMed 9536098 (cited by Labcorp Genetics (formerly Invitae), Labcorp).